The following is an entry in ClinVar:

NM_015102.5(NPHP4):c.283T>G (p.Leu95Val)

Gene: NPHP4 (nephrocystin 4; minus strand). Cytogenetic location: 1p36.31.
Variant type: single nucleotide variant.
Coding change: c.283T>G on transcript NM_015102.5 (MANE Select); coding-DNA position 283, T replaced by G.
Protein change: p.Leu95Val; replaces leucine 95 with valine.
Molecular consequence: missense variant. On other transcripts: 5 prime UTR variant (2), non-coding transcript variant (1).
Genome position (GRCh38, 1-based): chr1:5,969,256, A>C on the plus strand (T>G on the coding strand, the complement: NPHP4 is on the minus strand). VCF-style: chr1-5969256-A-C. GRCh37 (hg19) VCF-style: chr1-6029316-A-C.
Other names: c.-947T>G (NM_001291593.2); c.-1084T>G (NM_001291594.2); short protein forms L95V.
Identifiers: ClinVar variation 957788 (VCV000957788.9), dbSNP rs1384846275, ClinGen allele CA338050641.
Genomic context (GRCh38, chr1:5,969,256, plus strand): 5'-CAGCGACCACTTCCACCACAGCCACGATATGAGGGTGGTTTAGGGATGTGTGAAAATACA[A>C]GGGCTGCAGAACAGAAGCCAGAGGATGGTCTGAGTGTTCAGGACACACACAAAGAGGACA-3'
Protein context (NP_055917.1, residues 85-105): PPSRIVFNEP[Leu95Val]YFHTSLNHPH

ClinVar aggregate classification (germline): Uncertain significance (1 of 4 stars; one submission).

Conditions:
Nephronophthisis. Also called: Juvenile Nephronophthisis. Identifiers: Orphanet 655, MedGen C0687120, MONDO:0019005, HP:0000090.

Allele frequency attached by ClinVar (database versions not stated): gnomAD exomes below 0.00001; TOPMed below 0.00001; gnomAD 0.00001.
gnomAD v4.1: 7 of 1,551,366 alleles (0.00045%); highest among the groups gnomAD compares: South Asian, 0.0012%; no homozygotes.

Submission:

Labcorp Genetics (formerly Invitae), Labcorp
Classification: Uncertain significance for Nephronophthisis. Last evaluated: 2022-06-13. Review status: criteria provided, single submitter. Criteria: Invitae Variant Classification Sherloc (09022015). Collection method: clinical testing. Allele origin: germline.
Comment: In summary, the available evidence is currently insufficient to determine the role of this variant in disease. Therefore, it has been classified as a Variant of Uncertain Significance. Algorithms developed to predict the effect of missense changes on protein structure and function output the following: SIFT: "Tolerated"; PolyPhen-2: "Benign"; Align-GVGD: "Class C0". The valine amino acid residue is found in multiple mammalian species, which suggests that this missense change does not adversely affect protein function. ClinVar contains an entry for this variant (Variation ID: 957788). This variant has not been reported in the literature in individuals affected with NPHP4-related conditions. The frequency data for this variant in the population databases is considered unreliable, as metrics indicate poor data quality at this position in the gnomAD database. This sequence change replaces leucine, which is neutral and non-polar, with valine, which is neutral and non-polar, at codon 95 of the NPHP4 protein (p.Leu95Val).